The following is an entry in ClinVar:

ClinVar aggregate classification (germline): Uncertain significance (1 of 4 stars; one submission).

Conditions:
Cardiac anomalies - developmental delay - facial dysmorphism syndrome (MRFACD). Also called: MED13L Syndrome; Impaired intellectual development and distinctive facial features with or without cardiac defects. Identifiers: Orphanet 369891, MedGen C5192431, MONDO:0014773, OMIM 616789.

Allele frequency attached by ClinVar (database versions not stated): gnomAD exomes below 0.00001.
gnomAD v4.1: 2 of 1,614,206 alleles (0.00012%); highest among the groups gnomAD compares: Non-Finnish European, 0.00017%; no homozygotes.

Submission:

Victorian Clinical Genetics Services, Murdoch Childrens Research Institute
Classification: Uncertain significance for Cardiac anomalies - developmental delay - facial dysmorphism syndrome. Last evaluated: 2019-08-28. Review status: criteria provided, single submitter. Criteria: ACMG Guidelines, 2015. Collection method: clinical testing. Allele origin: germline. Inheritance: Autosomal dominant inheritance. Affected: yes.
Comment: A heterozygous missense variant was identified, NM_015335.4(MED13L):c.4694C>T in exon 21 of 31 of the MED13L gene. This substitution is predicted to create a moderate amino acid change from threonine to isoleucine at position 1565 of the protein, NP_056150.1(MED13L):p.(Thr1565Ile). The threonine at this position is not conserved in mammals and birds (100 vertebrates, UCSC), but is located within the MID functional domain. In silico software predictions of the pathogenicity of this variant are conflicting (Polyphen, SIFT, CADD, Mutation Taster). The variant is not present in the gnomAD population database. The variant has been previously reported in a clinical testing setting. Based on information available at the time of curation, this variant has been classified as a VARIANT of UNCERTAIN SIGNIFICANCE (VUS).

NM_015335.5(MED13L):c.4694C>T (p.Thr1565Ile)

Gene: MED13L (mediator complex subunit 13L; minus strand). Cytogenetic location: 12q24.21.
Variant type: single nucleotide variant.
Coding change: c.4694C>T on transcript NM_015335.5 (MANE Select); coding-DNA position 4694, C replaced by T.
Protein change: p.Thr1565Ile; replaces threonine 1565 with isoleucine.
Molecular consequence: missense variant.
Genome position (GRCh38, 1-based): chr12:115,983,378, G>A on the plus strand (C>T on the coding strand, the complement: MED13L is on the minus strand). VCF-style: chr12-115983378-G-A. GRCh37 (hg19) VCF-style: chr12-116421183-G-A.
Other names: short protein forms T1565I.
Identifiers: ClinVar variation 1805356 (VCV001805356.1), dbSNP rs2499827148, ClinGen allele CA386883072.